The following is an entry in ClinVar:

NM_005585.5(SMAD6):c.803G>A (p.Arg268Gln)

Gene: SMAD6 (SMAD family member 6; plus strand). Cytogenetic location: 15q22.31.
Variant type: single nucleotide variant.
Coding change: c.803G>A on transcript NM_005585.5 (MANE Select); coding-DNA position 803, G replaced by A.
Protein change: p.Arg268Gln; replaces arginine 268 with glutamine.
Molecular consequence: missense variant. On other transcripts: non-coding transcript variant (1).
Genome position (GRCh38, 1-based): chr15:66,704,061, G>A. VCF-style: chr15-66704061-G-A. GRCh37 (hg19) VCF-style: chr15-66996399-G-A.
Other names: short protein forms R268Q.
Identifiers: ClinVar variation 2568128 (VCV002568128.2), dbSNP rs2545313331, ClinGen allele CA392950280.

ClinVar aggregate classification (germline): Uncertain significance (1 of 4 stars; one submission).

Conditions:
Inborn genetic diseases. Identifiers: MedGen C0950123, MeSH D030342.

Allele frequency attached by ClinVar (database versions not stated): gnomAD exomes below 0.00001.
gnomAD v4.1: 3 of 1,496,280 alleles (0.0002%); highest among the groups gnomAD compares: South Asian, 0.0012%; no homozygotes.

Submission:

Ambry Genetics
Classification: Uncertain significance for Inborn genetic diseases. Last evaluated: 2023-04-07. Review status: criteria provided, single submitter. Criteria: Ambry Variant Classification Scheme 2023. Collection method: clinical testing. Allele origin: germline.
Comment: The p.R268Q variant (also known as c.803G>A), located in coding exon 1 of the SMAD6 gene, results from a G to A substitution at nucleotide position 803. The arginine at codon 268 is replaced by glutamine, an amino acid with highly similar properties. This amino acid position is conserved. In addition, this alteration is predicted to be deleterious by in silico analysis. Since supporting evidence is limited at this time, the clinical significance of this alteration remains unclear.